The following is an entry in ClinVar:

NM_014975.3(MAST1):c.3095T>C (p.Val1032Ala)

Gene: MAST1 (microtubule associated serine/threonine kinase 1; plus strand). Cytogenetic location: 19p13.13.
Variant type: single nucleotide variant.
Coding change: c.3095T>C on transcript NM_014975.3 (MANE Select); coding-DNA position 3095, T replaced by C.
Protein change: p.Val1032Ala; replaces valine 1032 with alanine.
Molecular consequence: missense variant.
Genome position (GRCh38, 1-based): chr19:12,870,915, T>C. VCF-style: chr19-12870915-T-C. GRCh37 (hg19) VCF-style: chr19-12981729-T-C.
Other names: short protein forms V1032A.
Identifiers: ClinVar variation 5020453 (VCV005020453.1).

ClinVar aggregate classification (germline): Uncertain significance (1 of 4 stars; one submission).

Submission:

Dasa
Classification: Uncertain significance. Last evaluated: 2026-06-01. Review status: criteria provided, single submitter. Criteria: DASA Assertion Criteria. Collection method: clinical testing. Allele origin: germline.
Comment: NM_014975.3(MAST1):c.3095T>C (p.Val1032Ala) is a missense variant that results in the substitution of valine with alanine. This variant is absent from population databases. The currently available literature and clinical evidence are not sufficient to establish a definitive association between this variant and the reported condition. Therefore, this variant is classified as a variant of uncertain significance.